The following is an entry in ClinVar:

NM_000350.3(ABCA4):c.3863-14A>G

Gene: ABCA4 (ATP binding cassette subfamily A member 4; minus strand). Cytogenetic location: 1p22.1.
Variant type: single nucleotide variant.
Coding change: c.3863-14A>G on transcript NM_000350.3 (MANE Select); 14 bases into the intron before coding-DNA position 3863, A replaced by G.
Molecular consequence: intron variant.
Genome position (GRCh38, 1-based): chr1:94,032,057, T>C on the plus strand (A>G on the coding strand, the complement: ABCA4 is on the minus strand). VCF-style: chr1-94032057-T-C. GRCh37 (hg19) VCF-style: chr1-94497613-T-C.
Other names: c.3863-14A>G (NM_000350.2).
Identifiers: ClinVar variation 1641525 (VCV001641525.10), dbSNP rs181272008, ClinGen allele CA957786.
Genomic context (GRCh38, chr1:94,032,057, plus strand): 5'-GCAGGGGTGTCGGGGGTTGACGTTTTCTCTTTTCTGCTGAGCGCCACCTGTTTTGAGAGA[T>C]TGAATTAATAATTTGGAAAATGCCTATAAGGTCTGGATCTCTAATGCCATTTTTTTTTTC-3'

ClinVar aggregate classification (germline): Conflicting classifications of pathogenicity. Review status: criteria provided, conflicting classifications (1 of 4 stars). 3 submissions from 3 submitters: Uncertain significance (2); Likely benign (1). Last evaluated 2026-01-26.

Conditions:
ABCA4-related disorder. Also called: ABCA4-related disorders; ABCA4-related condition. Identifiers: MedGen CN239167.

Allele frequency attached by ClinVar (database versions not stated): ExAC 0.00014; ESP Exome Variant Server 0.00023; 1000 Genomes Project 30x 0.00031; 1000 Genomes Project 0.00040; gnomAD 0.00059 and 0.00062; TOPMed 0.00068; gnomAD exomes 0.00005 and 0.00013.
gnomAD v4.1: 187 of 1,607,182 alleles (0.012%); highest among the groups gnomAD compares: African/African-American, 0.2%; 1 homozygote.

Submissions (3):

PreventionGenetics, part of Exact Sciences
Classification: Uncertain significance for ABCA4-related condition. Last evaluated: 2026-01-26. Review status: criteria provided, single submitter. Criteria: ACMG Guidelines, 2015. Collection method: clinical testing. Allele origin: germline.
Comment: The ABCA4 c.3863-14A>G variant is predicted to interfere with splicing. To our knowledge, this variant has not been reported in the literature. This variant is reported in 0.19% of alleles in individuals of African descent in gnomAD. This variant is predicted to impact splicing; however, the use of computer prediction programs is not equivalent to functional evidence, and therefore the clinical significance of this variant is uncertain.

Labcorp Genetics (formerly Invitae), Labcorp
Classification: Likely benign. Last evaluated: 2025-09-20. Review status: criteria provided, single submitter. Criteria: Invitae Variant Classification Sherloc (09022015). Collection method: clinical testing. Allele origin: germline.

Blueprint Genetics
Classification: Uncertain significance. Last evaluated: 2024-10-18. Review status: criteria provided, single submitter. Criteria: ACMG Guidelines, 2015. Collection method: clinical testing. Allele origin: germline.